The following is an entry in ClinVar:

NC_000012.12:g.40489373_40489402del

Gene: MUC19 (mucin 19, oligomeric (gene/pseudogene); plus strand). Cytogenetic location: 12q12.
Variant type: Deletion.
Genome position: GRCh38 VCF-style: chr12-40489363-GACAACTGGATCATCAGCTGGGGTGACAGGC-G. GRCh37 (hg19) VCF-style: chr12-40883165-GACAACTGGATCATCAGCTGGGGTGACAGGC-G.
Identifiers: ClinVar variation 3771310 (VCV003771310.13).

ClinVar aggregate classification (germline): Likely benign (1 of 4 stars; one submission).

Submission:

CeGaT Center for Human Genetics Tuebingen
Classification: Likely benign. Last evaluated: 2025-02-01. Review status: criteria provided, single submitter. Criteria: CeGaT Center For Human Genetics Tuebingen Variant Classification Criteria Version 2. Collection method: clinical testing. Allele origin: germline. Affected: yes. Observed: 1 variant allele.
Comment: MUC19: PM4, BS2